The following is an entry in ClinVar:

ClinVar aggregate classification (germline): Likely benign (1 of 4 stars; one submission).

Submission:

Women's Health and Genetics/Laboratory Corporation of America, LabCorp
Classification: Likely benign. Last evaluated: 2024-05-28. Review status: criteria provided, single submitter. Criteria: LabCorp Variant Classification Summary - May 2015. Collection method: clinical testing. Allele origin: germline.
Comment: Variant summary: MYO9A c.1845-8delT alters a non-conserved nucleotide located close to a canonical splice site and therefore could affect mRNA splicing, leading to a significantly altered protein sequence. Consensus agreement among computation tools predict no significant impact on normal splicing. However, these predictions have yet to be confirmed by functional studies. The variant was detected at a frequency of 0.018 in 138218 control chromosomes, suggesting the variant could be benign. To our knowledge, no occurrence of c.1845-8delT in individuals affected with Myasthenic Syndrome, Congenital, 24, Presynaptic and no experimental evidence demonstrating its impact on protein function have been reported. No submitters have cited clinical-significance assessments for this variant to ClinVar. Based on the evidence outlined above, the variant was classified as likely benign.

NM_006901.4(MYO9A):c.1845-8del

Gene: MYO9A (myosin IXA; minus strand). Cytogenetic location: 15q23.
Variant type: Deletion.
Coding change: c.1845-8del on transcript NM_006901.4 (MANE Select); 8 bases into the intron before coding-DNA position 1845, one base deleted (T; older notation c.1845-8delT).
Molecular consequence: intron variant.
Genome position (GRCh38, 1-based): chr15:71,968,133, A deleted on the plus strand (T on the coding strand, the reverse complement: MYO9A is on the minus strand); the first of 10 consecutive A bases (chr15:71,968,133-71,968,142); deleting any one gives the same sequence. VCF-style (leftmost placement, unchanged base first): chr15-71968132-TA-T. GRCh37 (hg19) VCF-style: chr15-72260473-TA-T.
Other names: c.1845-8delT (NM_006901.4).
Identifiers: ClinVar variation 3336332 (VCV003336332.1).